The following is an entry in ClinVar:

NM_000218.3(KCNQ1):c.1733-7C>G

Gene: KCNQ1 (potassium voltage-gated channel subfamily Q member 1; plus strand). Cytogenetic location: 11p15.5.
Variant type: single nucleotide variant.
Coding change: c.1733-7C>G on transcript NM_000218.3 (MANE Select); 7 bases into the intron before coding-DNA position 1733, C replaced by G.
Molecular consequence: intron variant.
Genome position (GRCh38, 1-based): chr11:2,777,969, C>G. VCF-style: chr11-2777969-C-G. GRCh37 (hg19) VCF-style: chr11-2799199-C-G.
Other names: c.1463-7C>G (NM_001406837.1); c.1637-7C>G (NM_001406836.1); c.1193-7C>G (NM_001406838.1); c.1352-7C>G (NM_181798.2); c.245-7C>G (NM_001406839.1).
Identifiers: ClinVar variation 575014 (VCV000575014.17), dbSNP rs367568223, ClinGen allele CA032527.

ClinVar aggregate classification (germline): Conflicting classifications of pathogenicity. Review status: criteria provided, conflicting classifications (1 of 4 stars). 4 submissions from 4 submitters: Uncertain significance (1); Likely benign (3). Last evaluated 2025-03-25.

Conditions:
Long QT syndrome (LQTS). Identifiers: MedGen C0023976, MeSH D008133, MONDO:0002442. Disease mechanism: loss of function. Inheritance: Various modes of inheritance.
Cardiac arrhythmia. Also called: Arrhythmia; Cardiac rhythm disease. Identifiers: MedGen C0003811, MONDO:0007263, HP:0011675.

Allele frequency attached by ClinVar (database versions not stated): TOPMed 0.00002; ExAC 0.00004; gnomAD exomes 0.00004; gnomAD 0.00006; ESP Exome Variant Server 0.00008.
gnomAD v4.1: 68 of 1,613,682 alleles (0.0042%); highest among the groups gnomAD compares: Middle Eastern, 0.016%; no homozygotes.

Submissions (4):

Labcorp Genetics (formerly Invitae), Labcorp
Classification: Likely benign for Long QT syndrome. Last evaluated: 2025-03-25. Review status: criteria provided, single submitter. Criteria: Invitae Variant Classification Sherloc (09022015). Collection method: clinical testing. Allele origin: germline.

All of Us Research Program, National Institutes of Health
Classification: Likely benign for Long QT syndrome. Last evaluated: 2023-12-18. Review status: criteria provided, single submitter. Criteria: ACMG Guidelines, 2015. Collection method: clinical testing. Allele origin: germline. Inheritance: Autosomal dominant inheritance. Observed: 8 variant alleles, 8 heterozygotes.
Comment: This study involves interpretation of variants in research participants for the purpose of population health screening. Participant phenotype was not available at the time of variant classification. Additional details can be found in publication PMID: 35346344, PMCID: PMC8962531

GeneDx
Classification: Uncertain significance. Last evaluated: 2020-06-30. Review status: criteria provided, single submitter. Criteria: GeneDx Variant Classification Process June 2021. Collection method: clinical testing. Allele origin: germline. Affected: yes.
Comment: Has not been previously published as pathogenic or benign to our knowledge; Reported in ClinVar (ClinVar Variant ID# 575014; Landrum et al., 2016); In-silico analysis, which includes splice predictors and evolutionary conservation, is inconclusive as to whether the variant alters gene splicing. In the absence of RNA/functional studies, the actual effect of this sequence change is unknown.

Color Diagnostics, LLC DBA Color Health
Classification: Likely benign for Arrhythmia. Last evaluated: 2019-03-08. Review status: criteria provided, single submitter. Criteria: ACMG Guidelines, 2015. Collection method: clinical testing. Allele origin: germline.